The following is an entry in ClinVar:

ClinVar aggregate classification (germline): Pathogenic (1 of 4 stars; one submission).

Conditions:
X-linked mixed hearing loss with perilymphatic gusher. Also called: Deafness, X-linked 2; NANCE DEAFNESS; PERILYMPHATIC GUSHER-DEAFNESS SYNDROME; SENSORINEURAL DEAFNESS, PROFOUND, WITH OR WITHOUT A CONDUCTIVE COMPONENT, ASSOCIATED WITH A UNIQUE DEVELOPMENTAL ABNORMALITY OF THE EAR; Gusher syndrome. Identifiers: Orphanet 383, MedGen C1844678, MONDO:0010576, OMIM 304400.

Submission:

Institute of Rare Diseases, West China Hospital, Sichuan University
Classification: Pathogenic for X-linked mixed hearing loss with perilymphatic gusher. Last evaluated: 2025-01-09. Review status: criteria provided, single submitter. Criteria: ClinGen HL ACMG Specifications v1. Collection method: research. Allele origin: germline. Affected: yes.
Comment: PVS1;PM3_Supporting;PM2_Supporting

NM_000307.5(POU3F4):c.310del (p.His104fs)

Gene: POU3F4 (POU class 3 homeobox 4; plus strand). Cytogenetic location: Xq21.1.
Variant type: Deletion.
Coding change: c.310del on transcript NM_000307.5 (MANE Select); coding-DNA position 310, one base deleted (C; older notation c.310delC).
Protein change: p.His104fs; shifts the reading frame from histidine 104.
Molecular consequence: frameshift variant.
Genome position (GRCh38, 1-based): chrX:83,508,634, C deleted; the last of 2 consecutive C bases (chrX:83,508,633-83,508,634); deleting either gives the same sequence. VCF-style (leftmost placement, unchanged base first): chrX-83508632-AC-A. GRCh37 (hg19) VCF-style: chrX-82763640-AC-A.
Other names: short protein forms H104fs.
Identifiers: ClinVar variation 3601652 (VCV003601652.1).